The following is an entry in ClinVar:

Conditions:
Breast-ovarian cancer, familial, susceptibility to, 1 (BROVCA1). Also called: BRCA1 Hereditary Breast and Ovarian Cancer; OVARIAN CANCER, SUSCEPTIBILITY TO. Identifiers: Orphanet 145, MedGen C2676676, MONDO:0011450, OMIM 604370. Disease mechanism: loss of function.

Submission:

Brotman Baty Institute, University of Washington
No classification provided (evidence only). Condition: Breast-ovarian cancer, familial 1. Review status: no classification provided. Collection method: in vitro. Allele origin: not applicable. Functional consequence: functionally_normal.
ClinVar note: "not provided" was previously submitted as the classification for the variant. However, the classification appeared to be based only on an observation of functional data so it was converted to no classification on 2025-07-30.

NM_007294.4(BRCA1):c.5499G>C (p.Val1833=)

Gene: BRCA1 (BRCA1 DNA repair associated; minus strand). Cytogenetic location: 17q21.31.
Variant type: single nucleotide variant.
Coding change: c.5499G>C on transcript NM_007294.4 (MANE Select); coding-DNA position 5499, G replaced by C.
Protein change: p.Val1833=; no amino-acid change (valine 1833 retained).
Molecular consequence: synonymous variant. On other transcripts: 3 prime UTR variant (17).
Genome position (GRCh38, 1-based): chr17:43,045,771, C>G on the plus strand (G>C on the coding strand, the complement: BRCA1 is on the minus strand). VCF-style: chr17-43045771-C-G. GRCh37 (hg19) VCF-style: chr17-41197788-C-G.
Other names: c.5484G>C, p.Val1828= (NM_001407647.1); c.5442G>C, p.Val1814= (NM_001407648.1); c.5439G>C, p.Val1813= (NM_001407649.1); c.5421G>C, p.Val1807= (NM_001407652.1, NM_001407653.1, NM_001407654.1 and 1 more transcripts); c.5418G>C, p.Val1806= (NM_001407656.1, NM_001407657.1, NM_001407658.1); c.5415G>C, p.Val1805= (NM_001407659.1, NM_001407660.1, NM_001407661.1 and 2 more transcripts); c.5376G>C, p.Val1792= (NM_001407664.1, NM_001407665.1, NM_001407666.1 and 3 more transcripts); c.5373G>C, p.Val1791= (NM_001407670.1, NM_001407671.1, NM_001407672.1 and 8 more transcripts); and 74 more.
Identifiers: ClinVar variation 868986 (VCV000868986.3), dbSNP rs2050880700, ClinGen allele CA500142919.